The following is an entry in ClinVar:

NM_001035.3(RYR2):c.14861C>G (p.Ala4954Gly)

Gene: RYR2 (ryanodine receptor 2; plus strand). Cytogenetic location: 1q43.
Variant type: single nucleotide variant.
Coding change: c.14861C>G on transcript NM_001035.3 (MANE Select); coding-DNA position 14861, C replaced by G.
Protein change: p.Ala4954Gly; replaces alanine 4954 with glycine.
Molecular consequence: missense variant.
Genome position (GRCh38, 1-based): chr1:237,832,604, C>G. VCF-style: chr1-237832604-C-G. GRCh37 (hg19) VCF-style: chr1-237995904-C-G.
Other names: short protein forms A4954G.
Identifiers: ClinVar variation 1773663 (VCV001773663.2), dbSNP rs1663930286, ClinGen allele CA345410943.

ClinVar aggregate classification (germline): Likely pathogenic (1 of 4 stars; one submission).

Conditions:
Cardiovascular phenotype. Identifiers: MedGen CN230736.

Submission:

Ambry Genetics
Classification: Likely pathogenic for Cardiovascular phenotype. Last evaluated: 2021-03-05. Review status: criteria provided, single submitter. Criteria: Ambry Variant Classification Scheme 2023. Collection method: clinical testing. Allele origin: germline.
Comment: The p.A4954G variant (also known as c.14861C>G), located in coding exon 105 of the RYR2 gene, results from a C to G substitution at nucleotide position 14861. The alanine at codon 4954 is replaced by glycine, an amino acid with similar properties. This variant was reported in a child with catecholaminergic polymorphic ventricular tachycardia (CPVT) (Yu TC et al. Hong Kong Med J, 2016 Aug;22:314-9). This amino acid position is highly conserved in available vertebrate species. In addition, the in silico prediction for this alteration is inconclusive. Based on the majority of available evidence to date, this variant is likely to be pathogenic.

Literature cited by the submitters: PubMed 27256466.